The following is an entry in ClinVar:

NM_002180.3(IGHMBP2):c.1471G>A (p.Val491Met)

Gene: IGHMBP2 (immunoglobulin mu DNA binding protein 2; plus strand). Cytogenetic location: 11q13.3.
Variant type: single nucleotide variant.
Coding change: c.1471G>A on transcript NM_002180.3 (MANE Select); coding-DNA position 1471, G replaced by A.
Protein change: p.Val491Met; replaces valine 491 with methionine.
Molecular consequence: missense variant.
Genome position (GRCh38, 1-based): chr11:68,933,847, G>A. VCF-style: chr11-68933847-G-A. GRCh37 (hg19) VCF-style: chr11-68701315-G-A.
Other names: short protein forms V491M.
Identifiers: ClinVar variation 2927241 (VCV002927241.3), dbSNP rs1294733303, ClinGen allele CA381649907.

ClinVar aggregate classification (germline): Uncertain significance (1 of 4 stars; one submission).

Conditions:
Autosomal recessive distal spinal muscular atrophy 1. Also called: HMN VI; NEURONOPATHY, SEVERE INFANTILE AXONAL, WITH RESPIRATORY FAILURE; SEVERE INFANTILE AXONAL NEUROPATHY WITH RESPIRATORY FAILURE; SPINAL MUSCULAR ATROPHY, DIAPHRAGMATIC; Spinal muscular atrophy with respiratory distress 1; NEURONOPATHY, DISTAL HEREDITARY MOTOR, HARDING TYPE VI. Identifiers: Orphanet 98920, MedGen C1858517, MONDO:0011436, OMIM 604320.
Charcot-Marie-Tooth disease axonal type 2S. Also called: CHARCOT-MARIE-TOOTH NEUROPATHY, TYPE 2S; CHARCOT-MARIE-TOOTH DISEASE, AXONAL, AUTOSOMAL RECESSIVE, TYPE 2S. Identifiers: Orphanet 443073, MedGen C4015349, MONDO:0014511, OMIM 616155.

Allele frequency attached by ClinVar (database versions not stated): gnomAD exomes below 0.00001.
gnomAD v4.1: 2 of 1,610,974 alleles (0.00012%); highest among the groups gnomAD compares: South Asian, 0.0011%; no homozygotes.

Submission:

Labcorp Genetics (formerly Invitae), Labcorp
Classification: Uncertain significance for Autosomal recessive distal spinal muscular atrophy 1; Charcot-Marie-Tooth disease axonal type 2S. Last evaluated: 2023-11-14. Review status: criteria provided, single submitter. Criteria: Invitae Variant Classification Sherloc (09022015). Collection method: clinical testing. Allele origin: germline.
Comment: This sequence change replaces valine, which is neutral and non-polar, with methionine, which is neutral and non-polar, at codon 491 of the IGHMBP2 protein (p.Val491Met). This variant is not present in population databases (gnomAD no frequency). This variant has not been reported in the literature in individuals affected with IGHMBP2-related conditions. Advanced modeling of protein sequence and biophysical properties (such as structural, functional, and spatial information, amino acid conservation, physicochemical variation, residue mobility, and thermodynamic stability) performed at Invitae indicates that this missense variant is not expected to disrupt IGHMBP2 protein function with a negative predictive value of 95%. In summary, the available evidence is currently insufficient to determine the role of this variant in disease. Therefore, it has been classified as a Variant of Uncertain Significance.